The following is an entry in ClinVar:

ClinVar aggregate classification (germline): Conflicting classifications of pathogenicity. Review status: criteria provided, conflicting classifications (1 of 4 stars). 5 submissions from 5 submitters: Uncertain significance (3); Likely benign (1). 1 of the submissions does not count toward it. Last evaluated 2025-07-09.

Conditions:
Hereditary cancer-predisposing syndrome. Also called: Hereditary Cancer Syndrome; Hereditary neoplastic syndrome; Neoplastic Syndromes, Hereditary; Tumor predisposition. Identifiers: Orphanet 140162, MedGen C0027672, MeSH D009386, MONDO:0015356.
Breast-ovarian cancer, familial, susceptibility to, 1 (BROVCA1). Also called: BRCA1 Hereditary Breast and Ovarian Cancer; OVARIAN CANCER, SUSCEPTIBILITY TO. Identifiers: Orphanet 145, MedGen C2676676, MONDO:0011450, OMIM 604370. Disease mechanism: loss of function.
Hereditary breast ovarian cancer syndrome. Also called: BRCA1- and BRCA2-Associated Hereditary Breast and Ovarian Cancer; Hereditary breast and ovarian cancer syndrome; Hereditary breast and ovarian cancer syndrome (HBOC); Breast and ovarian cancer; Hereditary breast and/or ovarian cancer syndrome; Hereditary breast and ovarian cancer. Identifiers: Orphanet 145, MedGen C0677776, MeSH D061325, MONDO:0003582. Disease mechanism: loss of function.

Submissions (5):

Ambry Genetics
Classification: Uncertain significance for Hereditary cancer-predisposing syndrome. Last evaluated: 2025-07-09. Review status: criteria provided, single submitter. Criteria: Ambry Variant Classification Scheme 2023. Collection method: clinical testing. Allele origin: germline.
Comment: The p.R610G variant (also known as c.1828A>G), located in coding exon 9 of the BRCA1 gene, results from an A to G substitution at nucleotide position 1828. The arginine at codon 610 is replaced by glycine, an amino acid with dissimilar properties. This amino acid position is not well conserved in available vertebrate species. In addition, the in silico prediction for this alteration is inconclusive. Based on the available evidence, the clinical significance of this variant remains unclear.

Quest Diagnostics Nichols Institute San Juan Capistrano
Classification: Uncertain significance. Last evaluated: 2024-02-21. Review status: criteria provided, single submitter. Criteria: Quest Diagnostics criteria. Collection method: clinical testing. Allele origin: unknown.
Comment: The BRCA1 c.1828A>G (p.Arg610Gly) variant has been reported in the published literature to be located in a region of the BRCA1 gene that is tolerant to missense sequence changes (PMID: 31911673 (2020)). This variant has not been reported in large, multi-ethnic general populations (Genome Aggregation Database). Analysis of this variant using bioinformatics tools for the prediction of the effect of amino acid changes on protein structure and function yielded conflicting predictions that this variant is benign or damaging. Based on the available information, we are unable to determine the clinical significance of this variant.

Labcorp Genetics (formerly Invitae), Labcorp
Classification: Uncertain significance for Hereditary breast ovarian cancer syndrome. Last evaluated: 2023-06-11. Review status: criteria provided, single submitter. Criteria: Invitae Variant Classification Sherloc (09022015). Collection method: clinical testing. Allele origin: germline.
Comment: In summary, the available evidence is currently insufficient to determine the role of this variant in disease. Therefore, it has been classified as a Variant of Uncertain Significance. Advanced modeling of protein sequence and biophysical properties (such as structural, functional, and spatial information, amino acid conservation, physicochemical variation, residue mobility, and thermodynamic stability) performed at Invitae indicates that this missense variant is not expected to disrupt BRCA1 protein function. ClinVar contains an entry for this variant (Variation ID: 91565). This variant has not been reported in the literature in individuals affected with BRCA1-related conditions. This variant is not present in population databases (gnomAD no frequency). This sequence change replaces arginine, which is basic and polar, with glycine, which is neutral and non-polar, at codon 610 of the BRCA1 protein (p.Arg610Gly).

University of Washington Department of Laboratory Medicine, University of Washington
Classification: Likely benign for Hereditary cancer-predisposing syndrome. Last evaluated: 2023-03-23. Review status: criteria provided, single submitter. Criteria: Dines et al. (Genet Med. 2020). Collection method: curation. Allele origin: germline.
Comment: Missense variant in a coldspot region where missense variants are very unlikely to be pathogenic (PMID:31911673).

BRCA1 coldspot (exon 11 using historical exon numbering). Reclassification based on statistical prior probability

Sharing Clinical Reports Project (SCRP)
Classification: Uncertain significance for Breast-ovarian cancer, familial 1. Last evaluated: 2013-06-03. Review status: no assertion criteria provided. Collection method: clinical testing. Allele origin: germline. Not counted in ClinVar's aggregate classification.

Literature cited by the submitters: PubMed 31911673 (cited by Quest Diagnostics Nichols Institute San Juan Capistrano).

NM_007294.4(BRCA1):c.1828A>G (p.Arg610Gly)

Gene: BRCA1 (BRCA1 DNA repair associated; minus strand). Cytogenetic location: 17q21.31.
Variant type: single nucleotide variant.
Coding change: c.1828A>G on transcript NM_007294.4 (MANE Select); coding-DNA position 1828, A replaced by G.
Protein change: p.Arg610Gly; replaces arginine 610 with glycine.
Molecular consequence: missense variant. On other transcripts: intron variant (137).
Genome position (GRCh38, 1-based): chr17:43,093,703, T>C on the plus strand (A>G on the coding strand, the complement: BRCA1 is on the minus strand). VCF-style: chr17-43093703-T-C. GRCh37 (hg19) VCF-style: chr17-41245720-T-C.
Other names: 1947A>G; c.1615A>G, p.Arg539Gly (NM_001407571.1, NM_001407896.1, NM_001407897.1 and 9 more transcripts); c.1828A>G, p.Arg610Gly (NM_001407581.1, NM_001407598.1, NM_001407602.1 and 30 more transcripts); c.1825A>G, p.Arg609Gly (NM_001407610.1, NM_001407611.1, NM_001407612.1 and 22 more transcripts); c.1819A>G, p.Arg607Gly (NM_001407646.1, NM_001407647.1); c.1705A>G, p.Arg569Gly (NM_001407648.1, NM_001407666.1, NM_001407667.1 and 19 more transcripts); c.1702A>G, p.Arg568Gly (NM_001407649.1, NM_001407670.1, NM_001407671.1 and 11 more transcripts); c.1750A>G, p.Arg584Gly (NM_001407653.1, NM_001407654.1, NM_001407655.1 and 4 more transcripts); and 41 more; short protein forms R610G, R563G, R482G, R498G, R521G, R543G, R569G, R584G.
Identifiers: ClinVar variation 91565 (VCV000091565.12), dbSNP rs398122644, ClinGen allele CA001190.
Genomic context (GRCh38, chr17:43,093,703, plus strand): 5'-TTCTACTGACTACTAGTTCAAGCGCATGAATATGCCTGGTAGAAGACTTCCTCCTCAGCC[T>C]ATTCTTTTTAGGTGCTTTTGAATTGTGGATATTTAATTCGAGTTCCATATTGCTTATACT-3'
Protein context (NP_009225.1, residues 600-620): IHNSKAPKKN[Arg610Gly]LRRKSSTRHI